The following is an entry in ClinVar:

NM_000368.5(TSC1):c.2254G>T (p.Val752Phe)

Gene: TSC1 (TSC complex subunit 1; minus strand). Cytogenetic location: 9q34.13.
Variant type: single nucleotide variant.
Coding change: c.2254G>T on transcript NM_000368.5 (MANE Select); coding-DNA position 2254, G replaced by T.
Protein change: p.Val752Phe; replaces valine 752 with phenylalanine.
Molecular consequence: missense variant. On other transcripts: non-coding transcript variant (5).
Genome position (GRCh38, 1-based): chr9:132,902,742, C>A on the plus strand (G>T on the coding strand, the complement: TSC1 is on the minus strand). VCF-style: chr9-132902742-C-A. GRCh37 (hg19) VCF-style: chr9-135778129-C-A.
Other names: c.1303G>T, p.Val435Phe (NM_001406626.1); c.1300G>T, p.Val434Phe (NM_001406627.1, NM_001406628.1); c.1201G>T, p.Val401Phe (NM_001406629.1, NM_001406630.1); c.2254G>T, p.Val752Phe (NM_001406592.1, NM_001406593.1, NM_001406594.1 and 5 more transcripts); c.2251G>T, p.Val751Phe (NM_001406597.1, NM_001406598.1, NM_001406599.1 and 4 more transcripts); c.2239G>T, p.Val747Phe (NM_001406601.1, NM_001406602.1); c.2098G>T, p.Val700Phe (NM_001406611.1, NM_001406612.1, NM_001406613.1); c.1891G>T, p.Val631Phe (NM_001406614.1, NM_001406615.1, NM_001406616.1 and 5 more transcripts); and 3 more; short protein forms V401F, V434F, V435F, V630F, V631F, V700F, V701F, V746F.
Identifiers: ClinVar variation 4758717 (VCV004758717.1).

ClinVar aggregate classification (germline): Uncertain significance (1 of 4 stars; one submission).

Conditions:
Tuberous sclerosis syndrome (TSC). Also called: Tuberous Sclerosis Complex; Tuberous sclerosis. Identifiers: Orphanet 805, MedGen C0041341, MONDO:0001734.

gnomAD v4.1: 1 of 1,614,080 alleles (0.000062%); highest among the groups gnomAD compares: Non-Finnish European, 0.000085%; no homozygotes.

Submission:

Color Diagnostics, LLC DBA Color Health
Classification: Uncertain significance for Tuberous sclerosis syndrome. Last evaluated: 2025-05-30. Review status: criteria provided, single submitter. Criteria: ACMG Guidelines, 2015. Collection method: clinical testing. Allele origin: germline.
Comment: This missense variant replaces valine with phenylalanine at codon 752 of the TSC1 protein. Computational prediction suggests that this variant may not impact protein structure and function. To our knowledge, functional studies have not been reported for this variant. This variant has not been reported in individuals affected with TSC1-related disorders in the literature. This variant has not been identified in the general population by the Genome Aggregation Database (gnomAD). The available evidence is insufficient to determine the role of this variant in disease conclusively. Therefore, this variant is classified as a Variant of Uncertain Significance.